The following is an entry in ClinVar:

NM_000179.3(MSH6):c.2469T>C (p.Ser823=)

Gene: MSH6 (mutS homolog 6; plus strand). Cytogenetic location: 2p16.3.
Variant type: single nucleotide variant.
Coding change: c.2469T>C on transcript NM_000179.3 (MANE Select); coding-DNA position 2469, T replaced by C.
Protein change: p.Ser823=; no amino-acid change (serine 823 retained).
Molecular consequence: synonymous variant. On other transcripts: non-coding transcript variant (5), intron variant (3).
Genome position (GRCh38, 1-based): chr2:47,800,452, T>C. VCF-style: chr2-47800452-T-C. GRCh37 (hg19) VCF-style: chr2-48027591-T-C.
Other names: c.2079T>C, p.Ser693= (NM_001281492.2); c.1563T>C, p.Ser521= (NM_001281493.2, NM_001281494.2, NM_001406811.1 and 6 more transcripts); c.2565T>C, p.Ser855= (NM_001406795.1, NM_001406802.1); c.2469T>C, p.Ser823= (NM_001406796.1, NM_001406798.1, NM_001406800.1 and 2 more transcripts); c.2172T>C, p.Ser724= (NM_001406797.1, NM_001406801.1, NM_001406805.1 and 10 more transcripts); c.1944T>C, p.Ser648= (NM_001406799.1, NM_001406806.1, NM_001406807.1); c.2391T>C, p.Ser797= (NM_001406804.1); c.2475T>C, p.Ser825= (NM_001406813.1); and 4 more.
Identifiers: ClinVar variation 3903683 (VCV003903683.1).
Genomic context (GRCh38, chr2:47,800,452, plus strand): 5'-CAAAATCTCCGAAGTTGTAGAGCTTCTAAAGAAGCTTCCAGATCTTGAGAGGCTACTCAG[T>C]AAAATTCATAATGTTGGGTCTCCCCTGAAGAGTCAGAACCACCCAGACAGCAGGGCTATA-3'
Protein context (NP_000170.1, residues 813-833): KKLPDLERLL[Ser823=]KIHNVGSPLK

ClinVar aggregate classification (germline): Benign (1 of 4 stars; one submission).

Conditions:
Lynch syndrome 5 (LYNCH5). Also called: Colorectal cancer, hereditary nonpolyposis, type 5; Hereditary non-polyposis colorectal cancer, type 5. Identifiers: Orphanet 144, MedGen C1833477, MONDO:0013710, OMIM 614350. Disease mechanism: loss of function.

Submission:

Myriad Genetics, Inc.
Classification: Benign for Lynch syndrome 5. Last evaluated: 2024-12-31. Review status: criteria provided, single submitter. Criteria: Myriad Autosomal Dominant, Autosomal Recessive and X-Linked Classification Criteria (2023). Collection method: clinical testing. Allele origin: unknown.
Comment: This variant is considered benign. This variant is a silent/synonymous amino acid change and it is not expected to impact splicing.